The following is an entry in ClinVar:

ClinVar aggregate classification (germline): Uncertain significance (1 of 4 stars; one submission).

Conditions:
Osteogenesis imperfecta type 8 (OI8). Identifiers: MedGen C1970458, MONDO:0012581, OMIM 610915.

Allele frequency attached by ClinVar (database versions not stated): gnomAD exomes 0.00005 and 0.00010; ExAC 0.00006; TOPMed 0.00008; gnomAD 0.00011; ESP Exome Variant Server 0.00023.
gnomAD v4.1: 162 of 1,613,478 alleles (0.01%); highest among the groups gnomAD compares: Non-Finnish European, 0.013%; no homozygotes.

Submission:

Labcorp Genetics (formerly Invitae), Labcorp
Classification: Uncertain significance for Osteogenesis imperfecta type 8. Last evaluated: 2022-06-13. Review status: criteria provided, single submitter. Criteria: Invitae Variant Classification Sherloc (09022015). Collection method: clinical testing. Allele origin: germline.
Comment: This sequence change replaces lysine, which is basic and polar, with glutamic acid, which is acidic and polar, at codon 363 of the P3H1 protein (p.Lys363Glu). This variant is present in population databases (rs146476495, gnomAD 0.01%). This missense change has been observed in individual(s) with osteogenesis imperfecta (PMID: 26634552). Algorithms developed to predict the effect of missense changes on protein structure and function (SIFT, PolyPhen-2, Align-GVGD) all suggest that this variant is likely to be tolerated. In summary, the available evidence is currently insufficient to determine the role of this variant in disease. Therefore, it has been classified as a Variant of Uncertain Significance.

Literature cited by the submitters: PubMed 26634552.

NM_022356.4(P3H1):c.1087A>G (p.Lys363Glu)

Gene: P3H1 (prolyl 3-hydroxylase 1; minus strand). Cytogenetic location: 1p34.2.
Variant type: single nucleotide variant.
Coding change: c.1087A>G on transcript NM_022356.4 (MANE Select); coding-DNA position 1087, A replaced by G.
Protein change: p.Lys363Glu; replaces lysine 363 with glutamic acid.
Molecular consequence: missense variant.
Genome position (GRCh38, 1-based): chr1:42,755,631, T>C on the plus strand (A>G on the coding strand, the complement: P3H1 is on the minus strand). VCF-style: chr1-42755631-T-C. GRCh37 (hg19) VCF-style: chr1-43221302-T-C.
Other names: c.1087A>G, p.Lys363Glu (NM_001243246.2, NM_001146289.2); short protein forms K363E.
Identifiers: ClinVar variation 1374000 (VCV001374000.5), dbSNP rs146476495, ClinGen allele CA801968.
Genomic context (GRCh38, chr1:42,755,631, plus strand): 5'-AAACATCATAAGCGAAGAAAAGCAGTTCTTTTTCCAGTAGGCTTCGCTGTCGGTACTCCT[T>C]GGCACTCTGAGGGTAAAAAAGCAAACAAATCCCCCAGAACTCAGCCCTGTCTTTTAACCT-3'
Protein context (NP_071751.3, residues 353-373): TRSIGPRESA[Lys363Glu]EYRQRSLLEK